The following is an entry in ClinVar:

NM_001164508.2(NEB):c.8982C>G (p.Ile2994Met)

Gene: NEB (nebulin; minus strand). Cytogenetic location: 2q23.3.
Variant type: single nucleotide variant.
Coding change: c.8982C>G on transcript NM_001164508.2 (MANE Select); coding-DNA position 8982, C replaced by G.
Protein change: p.Ile2994Met; replaces isoleucine 2994 with methionine.
Molecular consequence: missense variant. On other transcripts: intron variant (1).
Genome position (GRCh38, 1-based): chr2:151,639,292, G>C on the plus strand (C>G on the coding strand, the complement: NEB is on the minus strand). VCF-style: chr2-151639292-G-C. GRCh37 (hg19) VCF-style: chr2-152495806-G-C.
Other names: c.8982C>G, p.Ile2994Met (NM_001164507.2, NM_001271208.2); c.8853+601C>G (NM_004543.5); short protein forms I2994M.
Identifiers: ClinVar variation 1478855 (VCV001478855.5), dbSNP rs1251791997, ClinGen allele CA348807131.

ClinVar aggregate classification (germline): Uncertain significance (1 of 4 stars; one submission).

Conditions:
Nemaline myopathy 2 (NEM2). Also called: Nemaline myopathy 2, autosomal recessive. Identifiers: MedGen C1850569, MONDO:0009725, OMIM 256030.

Allele frequency attached by ClinVar (database versions not stated): TOPMed 0.00001.

Submission:

Labcorp Genetics (formerly Invitae), Labcorp
Classification: Uncertain significance for Nemaline myopathy 2. Last evaluated: 2024-07-02. Review status: criteria provided, single submitter. Criteria: Invitae Variant Classification Sherloc (09022015). Collection method: clinical testing. Allele origin: germline.
Comment: This sequence change replaces isoleucine, which is neutral and non-polar, with methionine, which is neutral and non-polar, at codon 2994 of the NEB protein (p.Ile2994Met). This variant is not present in population databases (gnomAD no frequency). This variant has not been reported in the literature in individuals affected with NEB-related conditions. ClinVar contains an entry for this variant (Variation ID: 1478855). Experimental studies and prediction algorithms are not available or were not evaluated, and the functional significance of this variant is currently unknown. In summary, the available evidence is currently insufficient to determine the role of this variant in disease. Therefore, it has been classified as a Variant of Uncertain Significance.